The following is an entry in ClinVar:

NM_001394073.1(HS6ST2):c.1673G>A (p.Arg558His)

Gene: HS6ST2 (heparan sulfate 6-O-sulfotransferase 2; minus strand). Cytogenetic location: Xq26.2.
Variant type: single nucleotide variant.
Coding change: c.1673G>A on transcript NM_001394073.1 (MANE Select); coding-DNA position 1673, G replaced by A.
Protein change: p.Arg558His; replaces arginine 558 with histidine.
Molecular consequence: missense variant.
Genome position (GRCh38, 1-based): chrX:132,628,488, C>T on the plus strand (G>A on the coding strand, the complement: HS6ST2 is on the minus strand). VCF-style: chrX-132628488-C-T. GRCh37 (hg19) VCF-style: chrX-131762516-C-T.
Other names: c.1673G>A, p.Arg558His (NM_001077188.2); c.1553G>A, p.Arg518His (NM_001394074.1, NM_147175.4); short protein forms R518H, R558H.
Identifiers: ClinVar variation 4532157 (VCV004532157.1).

ClinVar aggregate classification (germline): Uncertain significance (1 of 4 stars; one submission).

Conditions:
Paganini-Miozzo syndrome. Also called: MENTAL RETARDATION, X-LINKED, SYNDROMIC, PAGANINI-MIOZZO TYPE. Identifiers: MedGen C5193010, MONDO:0026724, OMIM 301025.

gnomAD v4.1: 2 of 1,211,124 alleles (0.00017%); highest among the groups gnomAD compares: South Asian, 0.0035%; no homozygotes.

Submission:

Victorian Clinical Genetics Services, Murdoch Childrens Research Institute
Classification: Uncertain significance for Paganini-Miozzo syndrome. Last evaluated: 2025-10-21. Review status: criteria provided, single submitter. Criteria: ACMG Guidelines, 2015. Collection method: clinical testing. Allele origin: germline. Affected: yes.
Comment: This variant is classified as VUS-3B. Evidence in support of pathogenic classification: Variant is present in gnomAD <0.01 (v4: 2 heterozygote(s), 0 homozygote(s), 0 hemizygote(s)) . Additional information: Variant is predicted to result in a missense amino acid change from Arg to His; This variant is hemizygous; This gene is associated with X-linked disease; Alternative amino acid change(s) at the same position are present in gnomAD (Highest allele count: v4: 162 heterozygote(s), 0 homozygote(s), 190 hemizygote(s)) ; This variant has no previous evidence of pathogenicity; No published evidence of segregation with disease has been identified for this variant; No published functional evidence has been identified for this variant; No comparable missense variants have previous evidence for pathogenicity; Variant is not located in an established domain, motif, hotspot or informative constraint region; Missense variant with inconclusive in silico prediction and uninformative conservation; The mechanism of disease for this gene is not clearly established.